The following is an entry in ClinVar:

NM_019109.5(ALG1):c.13T>C (p.Cys5Arg)

Gene: ALG1 (ALG1 chitobiosyldiphosphodolichol beta-mannosyltransferase; plus strand). Cytogenetic location: 16p13.3.
Variant type: single nucleotide variant.
Coding change: c.13T>C on transcript NM_019109.5 (MANE Select); coding-DNA position 13, T replaced by C.
Protein change: p.Cys5Arg; replaces cysteine 5 with arginine.
Molecular consequence: missense variant.
Genome position (GRCh38, 1-based): chr16:5,071,862, T>C. VCF-style: chr16-5071862-T-C. GRCh37 (hg19) VCF-style: chr16-5121863-T-C.
Other names: short protein forms C5R.
Identifiers: ClinVar variation 1365575 (VCV001365575.5), dbSNP rs752179113, ClinGen allele CA7889625.

ClinVar aggregate classification (germline): Uncertain significance (1 of 4 stars; one submission).

Conditions:
ALG1-congenital disorder of glycosylation. Also called: CDG Ik; ALG1-CDG; CONGENITAL DISORDER OF GLYCOSYLATION, TYPE Ik. Identifiers: Orphanet 79327, MedGen C2931005, MONDO:0012052, OMIM 608540.

Allele frequency attached by ClinVar (database versions not stated): ExAC 0.00002.
gnomAD v4.1: 12 of 1,604,678 alleles (0.00075%); highest among the groups gnomAD compares: Admixed American, 0.0067%; no homozygotes.

Submission:

Labcorp Genetics (formerly Invitae), Labcorp
Classification: Uncertain significance for ALG1-congenital disorder of glycosylation. Last evaluated: 2021-08-31. Review status: criteria provided, single submitter. Criteria: Invitae Variant Classification Sherloc (09022015). Collection method: clinical testing. Allele origin: germline.
Comment: This sequence change replaces cysteine with arginine at codon 5 of the ALG1 protein (p.Cys5Arg). The cysteine residue is weakly conserved and there is a large physicochemical difference between cysteine and arginine. This variant is present in population databases (rs752179113, ExAC 0.02%). This variant has not been reported in the literature in individuals affected with ALG1-related conditions. Advanced modeling of protein sequence and biophysical properties (such as structural, functional, and spatial information, amino acid conservation, physicochemical variation, residue mobility, and thermodynamic stability) performed at Invitae indicates that this missense variant is not expected to disrupt ALG1 protein function. In summary, the available evidence is currently insufficient to determine the role of this variant in disease. Therefore, it has been classified as a Variant of Uncertain Significance.